The following is an entry in ClinVar:

ClinVar aggregate classification (germline): Uncertain significance (1 of 4 stars; one submission).

Allele frequency attached by ClinVar (database versions not stated): gnomAD exomes below 0.00001; ExAC 0.00027.
gnomAD v4.1: 1 of 1,093,800 alleles (0.000091%); highest among the groups gnomAD compares: Non-Finnish European, 0.00012%; no homozygotes.

Submission:

Labcorp Genetics (formerly Invitae), Labcorp
Classification: Uncertain significance. Last evaluated: 2022-09-23. Review status: criteria provided, single submitter. Criteria: Invitae Variant Classification Sherloc (09022015). Collection method: clinical testing. Allele origin: germline.
Comment: In summary, the available evidence is currently insufficient to determine the role of this variant in disease. Therefore, it has been classified as a Variant of Uncertain Significance. Advanced modeling of protein sequence and biophysical properties (such as structural, functional, and spatial information, amino acid conservation, physicochemical variation, residue mobility, and thermodynamic stability) performed at Invitae indicates that this missense variant is not expected to disrupt NYX protein function. This variant has not been reported in the literature in individuals affected with NYX-related conditions. The frequency data for this variant in the population databases is considered unreliable, as metrics indicate poor data quality at this position in the gnomAD database. This sequence change replaces isoleucine, which is neutral and non-polar, with valine, which is neutral and non-polar, at codon 67 of the NYX protein (p.Ile67Val).

NM_001378477.3(NYX):c.184A>G (p.Ile62Val)

Gene: NYX (nyctalopin; plus strand). Cytogenetic location: Xp11.4.
Variant type: single nucleotide variant.
Coding change: c.184A>G on transcript NM_001378477.3 (MANE Select); coding-DNA position 184, A replaced by G.
Protein change: p.Ile62Val; replaces isoleucine 62 with valine.
Molecular consequence: missense variant.
Genome position (GRCh38, 1-based): chrX:41,473,652, A>G. VCF-style: chrX-41473652-A-G. GRCh37 (hg19) VCF-style: chrX-41332905-A-G.
Other names: c.184A>G, p.Ile62Val (NM_022567.3); short protein forms I62V.
Identifiers: ClinVar variation 1920036 (VCV001920036.5), dbSNP rs766384318, ClinGen allele CA10389784.